The following is an entry in ClinVar:

NM_021074.5(NDUFV2):c.206dup (p.Asn69fs)

Gene: NDUFV2 (NADH:ubiquinone oxidoreductase core subunit V2; plus strand). Cytogenetic location: 18p11.22.
Variant type: Duplication.
Coding change: c.206dup on transcript NM_021074.5 (MANE Select); coding-DNA position 206, one base duplicated (A; older notation c.206dupA).
Protein change: p.Asn69fs; shifts the reading frame from asparagine 69.
Molecular consequence: frameshift variant.
Genome position (GRCh38, 1-based): chr18:9,119,496, A duplicated; the last of 6 consecutive A bases (chr18:9,119,491-9,119,496); duplicating any one gives the same sequence. VCF-style (leftmost placement, unchanged base first): chr18-9119490-T-TA. GRCh37 (hg19) VCF-style: chr18-9119488-T-TA.
Other names: short protein forms N69fs.
Identifiers: ClinVar variation 2822108 (VCV002822108.3), dbSNP rs750082630, ClinGen allele CA2576453348.

ClinVar aggregate classification (germline): Pathogenic (1 of 4 stars; one submission).

Submission:

Labcorp Genetics (formerly Invitae), Labcorp
Classification: Pathogenic. Last evaluated: 2022-12-27. Review status: criteria provided, single submitter. Criteria: Invitae Variant Classification Sherloc (09022015). Collection method: clinical testing. Allele origin: germline.
Comment: This variant has not been reported in the literature in individuals affected with NDUFV2-related conditions. This variant is not present in population databases (gnomAD no frequency). This sequence change creates a premature translational stop signal (p.Asn69Lysfs*7) in the NDUFV2 gene. It is expected to result in an absent or disrupted protein product. Loss-of-function variants in NDUFV2 are known to be pathogenic (PMID: 12754703, 26008862). For these reasons, this variant has been classified as Pathogenic.

Literature cited by the submitters: PubMed 12754703; PubMed 26008862.